The following is an entry in ClinVar:

ClinVar aggregate classification (germline): Uncertain significance (1 of 4 stars; one submission).

Conditions:
Inborn genetic diseases. Identifiers: MedGen C0950123, MeSH D030342.

Submission:

Ambry Genetics
Classification: Uncertain significance for Inborn genetic diseases. Last evaluated: 2024-11-26. Review status: criteria provided, single submitter. Criteria: Ambry Variant Classification Scheme 2023. Collection method: clinical testing. Allele origin: germline.
Comment: The p.A247E variant (also known as c.740C>A), located in coding exon 5 of the ETV6 gene, results from a C to A substitution at nucleotide position 740. The alanine at codon 247 is replaced by glutamic acid, an amino acid with dissimilar properties. This amino acid position is conserved. In addition, this alteration is predicted to be tolerated by in silico analysis. Based on the available evidence, the clinical significance of this variant remains unclear.

NM_001987.5(ETV6):c.740C>A (p.Ala247Glu)

Gene: ETV6 (ETS variant transcription factor 6; plus strand). Cytogenetic location: 12p13.2.
Variant type: single nucleotide variant.
Coding change: c.740C>A on transcript NM_001987.5 (MANE Select); coding-DNA position 740, C replaced by A.
Protein change: p.Ala247Glu; replaces alanine 247 with glutamic acid.
Molecular consequence: missense variant.
Genome position (GRCh38, 1-based): chr12:11,869,700, C>A. VCF-style: chr12-11869700-C-A. GRCh37 (hg19) VCF-style: chr12-12022634-C-A.
Other names: c.737C>A, p.Ala246Glu (NM_001413913.1); c.713C>A, p.Ala238Glu (NM_001413914.1); c.476C>A, p.Ala159Glu (NM_001413915.1); c.740C>A, p.Ala247Glu (NM_001413916.1, NM_001413917.1); short protein forms A246E, A238E, A159E, A247E.
Identifiers: ClinVar variation 3510623 (VCV003510623.1).
Genomic context (GRCh38, chr12:11,869,700, plus strand): 5'-ACAACCACCAGGAGTCCTACCCTCTGTCAGTGTCTCCCATGGAGAATAATCACTGCCCAG[C>A]GTCCTCCGAGTCCCACCCGAAGCCATCCAGCCCCCGGCAGGAGAGCACACGCGTGATCCA-3'
Protein context (NP_001978.1, residues 237-257): VSPMENNHCP[Ala247Glu]SSESHPKPSS